The following is an entry in ClinVar:

ClinVar aggregate classification (germline): Uncertain significance. Review status: criteria provided, multiple submitters, no conflicts (2 of 4 stars). 4 submissions from 4 submitters: Uncertain significance (4). Last evaluated 2026-09-01.

Conditions:
Distal myopathy with posterior leg and anterior hand involvement. Also called: WILLIAMS DISTAL MYOPATHY. Identifiers: Orphanet 63273, MedGen C3279722, MONDO:0013550, OMIM 614065.
Myofibrillar myopathy 5. Also called: Filaminopathy (type); FILAMINOPATHY, AUTOSOMAL DOMINANT. Identifiers: Orphanet 171445, MedGen C1836050, MONDO:0012289, OMIM 609524.
Dilated Cardiomyopathy, Dominant.
Hypertrophic cardiomyopathy 26. Also called: Cardiomyopathy, familial hypertrophic, 26. Identifiers: Orphanet 75249, MedGen C4310749, MONDO:0014883, OMIM 617047.
Cardiovascular phenotype. Identifiers: MedGen CN230736.

Allele frequency attached by ClinVar (database versions not stated): TOPMed below 0.00001; gnomAD 0.00001; ExAC 0.00002; gnomAD exomes 0.00002.
gnomAD v4.1: 11 of 1,613,706 alleles (0.00068%); highest among the groups gnomAD compares: East Asian, 0.0022%; no homozygotes.

Submissions (4):

CeGaT Center for Human Genetics Tuebingen
Classification: Uncertain significance. Last evaluated: 2026-09-01. Review status: criteria provided, single submitter. Criteria: CeGaT Center For Human Genetics Tuebingen Variant Classification Criteria Version 2. Collection method: clinical testing. Allele origin: germline. Affected: yes. Observed: 1 variant allele.
Comment: FLNC: PM2, BP5

Labcorp Genetics (formerly Invitae), Labcorp
Classification: Uncertain significance for Distal myopathy with posterior leg and anterior hand involvement; Myofibrillar myopathy 5; Hypertrophic cardiomyopathy 26. Last evaluated: 2025-01-30. Review status: criteria provided, single submitter. Criteria: Invitae Variant Classification Sherloc (09022015). Collection method: clinical testing. Allele origin: germline.
Comment: This sequence change replaces glycine, which is neutral and non-polar, with serine, which is neutral and polar, at codon 1171 of the FLNC protein (p.Gly1171Ser). This variant is present in population databases (rs769490872, gnomAD 0.009%). This variant has not been reported in the literature in individuals affected with FLNC-related conditions. ClinVar contains an entry for this variant (Variation ID: 539379). Invitae Evidence Modeling of protein sequence and biophysical properties (such as structural, functional, and spatial information, amino acid conservation, physicochemical variation, residue mobility, and thermodynamic stability) has been performed for this missense variant. However, the output from this modeling did not meet the statistical confidence thresholds required to predict the impact of this variant on FLNC protein function. In summary, the available evidence is currently insufficient to determine the role of this variant in disease. Therefore, it has been classified as a Variant of Uncertain Significance.

GeneDx
Classification: Uncertain significance. Last evaluated: 2024-11-07. Review status: criteria provided, single submitter. Criteria: GeneDx Variant Classification Process June 2021. Collection method: clinical testing. Allele origin: germline.
Comment: Not observed at significant frequency in large population cohorts (gnomAD); In silico analysis supports that this missense variant has a deleterious effect on protein structure/function; Has not been previously published as pathogenic or benign to our knowledge

Ambry Genetics
Classification: Uncertain significance for Cardiovascular phenotype. Last evaluated: 2024-10-21. Review status: criteria provided, single submitter. Criteria: Ambry Variant Classification Scheme 2023. Collection method: clinical testing. Allele origin: germline.
Comment: The p.G1171S variant (also known as c.3511G>A), located in coding exon 21 of the FLNC gene, results from a G to A substitution at nucleotide position 3511. The glycine at codon 1171 is replaced by serine, an amino acid with similar properties. This amino acid position is conserved. In addition, the in silico prediction for this alteration is inconclusive. Based on the available evidence, the clinical significance of this variant remains unclear.

NM_001458.5(FLNC):c.3511G>A (p.Gly1171Ser)

Gene: FLNC (filamin C; plus strand). Cytogenetic location: 7q32.1.
Variant type: single nucleotide variant.
Coding change: c.3511G>A on transcript NM_001458.5 (MANE Select); coding-DNA position 3511, G replaced by A.
Protein change: p.Gly1171Ser; replaces glycine 1171 with serine.
Molecular consequence: missense variant.
Genome position (GRCh38, 1-based): chr7:128,844,976, G>A. VCF-style: chr7-128844976-G-A. GRCh37 (hg19) VCF-style: chr7-128485030-G-A.
Other names: c.3511G>A, p.Gly1171Ser (NM_001127487.2); short protein forms G1171S.
Identifiers: ClinVar variation 539379 (VCV000539379.12), dbSNP rs769490872, ClinGen allele CA4475064.